The following is an entry in ClinVar:

NM_020778.5(ALPK3):c.3818-235C>T

Gene: ALPK3 (alpha kinase 3; plus strand). Cytogenetic location: 15q25.3.
Variant type: single nucleotide variant.
Coding change: c.3818-235C>T on transcript NM_020778.5 (MANE Select); 235 bases into the intron before coding-DNA position 3818, C replaced by T.
Molecular consequence: intron variant.
Genome position (GRCh38, 1-based): chr15:84,859,008, C>T. VCF-style: chr15-84859008-C-T. GRCh37 (hg19) VCF-style: chr15-85402239-C-T.
Identifiers: ClinVar variation 679551 (VCV000679551.1), dbSNP rs59475469, ClinGen allele CA273626262.
Genomic context (GRCh38, chr15:84,859,008, plus strand): 5'-AGAATGCAAACTGAAGTTCCTGTCTCAACTGCTGTCTGCGTCCTCAGCTGGGAGCCCCTC[C>T]CAGCCTGGGGTCAAGGTGGAGTAGGGGCTTCTCTCTAGCTGAGATGTGTGCTTTGGGGGT-3'

ClinVar aggregate classification (germline): Benign (1 of 4 stars; one submission).

Allele frequency attached by ClinVar (database versions not stated): gnomAD 0.04576 and 0.04606; TOPMed 0.04702; 1000 Genomes Project 0.04892; 1000 Genomes Project 30x 0.04981.
gnomAD v4.1: 6,945 of 152,182 alleles (4.6%); highest among the groups gnomAD compares: African/African-American, 6.7%; 206 homozygotes.

Submission:

GeneDx
Classification: Benign. Last evaluated: 2018-06-14. Review status: criteria provided, single submitter. Criteria: GeneDx Variant Classification (06012015). Collection method: clinical testing. Allele origin: germline. Affected: yes.
Comment: This variant is considered likely benign or benign based on one or more of the following criteria: it is a conservative change, it occurs at a poorly conserved position in the protein, it is predicted to be benign by multiple in silico algorithms, and/or has population frequency not consistent with disease.